The following is an entry in ClinVar:

NM_001365999.1(SZT2):c.9215C>T (p.Thr3072Ile)

Gene: SZT2 (SZT2 subunit of KICSTOR complex; plus strand). Cytogenetic location: 1p34.2.
Variant type: single nucleotide variant.
Coding change: c.9215C>T on transcript NM_001365999.1 (MANE Select); coding-DNA position 9215, C replaced by T.
Protein change: p.Thr3072Ile; replaces threonine 3072 with isoleucine.
Molecular consequence: missense variant.
Genome position (GRCh38, 1-based): chr1:43,447,097, C>T. VCF-style: chr1-43447097-C-T. GRCh37 (hg19) VCF-style: chr1-43912768-C-T.
Other names: c.9044C>T, p.Thr3015Ile (NM_015284.4); short protein forms T3072I, T3015I.
Identifiers: ClinVar variation 1039632 (VCV001039632.8), dbSNP rs1052240932, ClinGen allele CA21652149.

ClinVar aggregate classification (germline): Uncertain significance (1 of 4 stars; one submission).

Submission:

Labcorp Genetics (formerly Invitae), Labcorp
Classification: Uncertain significance. Last evaluated: 2020-10-05. Review status: criteria provided, single submitter. Criteria: Invitae Variant Classification Sherloc (09022015). Collection method: clinical testing. Allele origin: germline.
Comment: This sequence change replaces threonine with isoleucine at codon 3015 of the SZT2 protein (p.Thr3015Ile). The threonine residue is highly conserved and there is a moderate physicochemical difference between threonine and isoleucine. This variant is not present in population databases (ExAC no frequency). This variant has not been reported in the literature in individuals with SZT2-related disease. Algorithms developed to predict the effect of missense changes on protein structure and function do not agree on the potential impact of this missense change (SIFT: "Deleterious"; PolyPhen-2: "Probably Damaging"; Align-GVGD: "Class C15"). In summary, the available evidence is currently insufficient to determine the role of this variant in disease. Therefore, it has been classified as a Variant of Uncertain Significance.